The following is an entry in ClinVar:

ClinVar aggregate classification (germline): Uncertain significance. Review status: criteria provided, multiple submitters, no conflicts (2 of 4 stars). 2 submissions from 2 submitters: Uncertain significance (2). Last evaluated 2024-12-04.

Conditions:
Cardiovascular phenotype. Identifiers: MedGen CN230736.

Submissions (2):

Ambry Genetics
Classification: Uncertain significance for Cardiovascular phenotype. Last evaluated: 2024-12-04. Review status: criteria provided, single submitter. Criteria: Ambry Variant Classification Scheme 2023. Collection method: clinical testing. Allele origin: germline.
Comment: The c.644_648delTGCCT variant, located in coding exon 5 of the SCN4B gene, results from a deletion of 5 nucleotides at nucleotide positions 644 to 648, causing a translational frameshift with a predicted alternate stop codon (p.L215Wfs*19). This alteration is expected to result in loss of function by premature protein truncation or nonsense-mediated mRNA decay. However, the evidence for this gene-disease relationship is limited; therefore, the clinical significance of this alteration is unclear.

GeneDx
Classification: Uncertain significance. Last evaluated: 2018-05-07. Review status: criteria provided, single submitter. Criteria: GeneDx Variant Classification (06012015). Collection method: clinical testing. Allele origin: germline. Affected: yes.
Comment: A variant of uncertain significance has been identified in the SCN4B gene. The c.644_648delTGCC variant has not been published as pathogenic or been reported as benign to our knowledge. This variant is not observed at a significant frequency in large population cohorts (Lek et al., 2016). The c.644_648delTGCC variant causes a shift in reading frame starting at codon leucine 215, changing it to a tryptophan, and creating a premature stop codon at position 19 of the new reading frame, denoted p.Leu215TrpfsX19. However, this variant results in the last 14 amino acids being replaced with 18 incorrect amino acids and is not expected to result in either an abnormal, truncated protein product or loss of protein from this allele through nonsense-mediated mRNA decay. Finally, only one other frameshift variant in the SCN4B gene has been reported in Human Gene Mutation Database in association with SCN4B-related disorders (Stenson et al., 2014). Therefore, based on the currently available information, it is unclear whether this variant is pathogenic or rare benign.

NM_174934.4(SCN4B):c.644_648del (p.Leu215fs)

Gene: SCN4B (sodium voltage-gated channel beta subunit 4; minus strand). Cytogenetic location: 11q23.3.
Variant type: Deletion.
Coding change: c.644_648del on transcript NM_174934.4 (MANE Select); coding-DNA positions 644 to 648, 5 bases deleted (TGCCT; older notation c.644_648delTGCCT).
Protein change: p.Leu215fs; shifts the reading frame from leucine 215.
Molecular consequence: frameshift variant. On other transcripts: non-coding transcript variant (1).
Genome position (GRCh38, 1-based): chr11:118,137,066-118,137,070, AGGCA deleted on the plus strand (TGCCT on the coding strand, the reverse complement: SCN4B is on the minus strand); deleting any 5 consecutive bases within chr11:118,137,066-118,137,072 gives the same sequence; the c. name uses the placement nearest the transcript's 3' end. VCF-style (leftmost placement, unchanged base first): chr11-118137065-CAGGCA-C. GRCh37 (hg19) VCF-style: chr11-118007780-CAGGCA-C.
Other names: c.242_246del, p.Leu81fs (NM_001142348.2); c.314_318del, p.Leu105fs (NM_001142349.2); c.644_648delTGCCT (NM_174934.3); short protein forms L81fs, L105fs, L215fs.
Identifiers: ClinVar variation 524166 (VCV000524166.3), dbSNP rs778693616, ClinGen allele CA6300123.